The following is an entry in ClinVar:

ClinVar aggregate classification (germline): Uncertain significance (1 of 4 stars; one submission).

Conditions:
Cortical dysplasia-focal epilepsy syndrome (PTHSL1). Also called: Pitt-Hopkins-like syndrome 1. Identifiers: Orphanet 163681, Orphanet 221150, MedGen C2750246, MONDO:0012400, OMIM 610042.

Submission:

MGZ Medical Genetics Center
Classification: Uncertain significance for Cortical dysplasia-focal epilepsy syndrome. Last evaluated: 2021-06-29. Review status: criteria provided, single submitter. Criteria: ACMG Guidelines, 2015. Collection method: clinical testing. Allele origin: germline. Affected: yes. Observed: 1 variant allele.
Comment: ACMG criteria applied: PM2_SUP, PP3

NM_014141.6(CNTNAP2):c.542G>T (p.Cys181Phe)

Gene: CNTNAP2 (contactin associated protein 2; plus strand). Cytogenetic location: 7q35.
Variant type: single nucleotide variant.
Coding change: c.542G>T on transcript NM_014141.6 (MANE Select); coding-DNA position 542, G replaced by T.
Protein change: p.Cys181Phe; replaces cysteine 181 with phenylalanine.
Molecular consequence: missense variant.
Genome position (GRCh38, 1-based): chr7:147,044,046, G>T. VCF-style: chr7-147044046-G-T. GRCh37 (hg19) VCF-style: chr7-146741138-G-T.
Other names: short protein forms C181F.
Identifiers: ClinVar variation 1709851 (VCV001709851.1), dbSNP rs1799308437, ClinGen allele CA369923676.